The following is an entry in ClinVar:

NM_003000.3(SDHB):c.770T>C (p.Leu257Pro)

Gene: SDHB (succinate dehydrogenase complex iron sulfur subunit B; minus strand). Cytogenetic location: 1p36.13.
Variant type: single nucleotide variant.
Coding change: c.770T>C on transcript NM_003000.3 (MANE Select); coding-DNA position 770, T replaced by C.
Protein change: p.Leu257Pro; replaces leucine 257 with proline.
Molecular consequence: missense variant.
Genome position (GRCh38, 1-based): chr1:17,018,954, A>G on the plus strand (T>C on the coding strand, the complement: SDHB is on the minus strand). VCF-style: chr1-17018954-A-G. GRCh37 (hg19) VCF-style: chr1-17345449-A-G.
Other names: c.716T>C, p.Leu239Pro (NM_001407361.1); short protein forms L239P, L257P.
Identifiers: ClinVar variation 3385984 (VCV003385984.1).

ClinVar aggregate classification (germline): Uncertain significance (1 of 4 stars; one submission).

Conditions:
Hereditary pheochromocytoma and paraganglioma. Also called: Hereditary Paraganglioma-Pheochromocytoma Syndromes; Hereditary pheochromocytoma-paraganglioma; Hereditary paragangliomas and pheochromocytomas. Identifiers: Orphanet 29072, MedGen C4274332, MONDO:0017366.

Submission:

All of Us Research Program, National Institutes of Health
Classification: Uncertain significance for Hereditary pheochromocytoma and paraganglioma. Last evaluated: 2024-03-05. Review status: criteria provided, single submitter. Criteria: ACMG Guidelines, 2015. Collection method: clinical testing. Allele origin: germline. Inheritance: Autosomal dominant inheritance. Observed: 1 variant allele, 1 heterozygote.
Comment: This study involves interpretation of variants in research participants for the purpose of population health screening. Participant phenotype was not available at the time of variant classification. Additional details can be found in publication PMID: 35346344, PMCID: PMC8962531